The following is an entry in ClinVar:

NM_001035.3(RYR2):c.6856C>T (p.Pro2286Ser)

Gene: RYR2 (ryanodine receptor 2; plus strand). Cytogenetic location: 1q43.
Variant type: single nucleotide variant.
Coding change: c.6856C>T on transcript NM_001035.3 (MANE Select); coding-DNA position 6856, C replaced by T.
Protein change: p.Pro2286Ser; replaces proline 2286 with serine.
Molecular consequence: missense variant.
Genome position (GRCh38, 1-based): chr1:237,638,420, C>T. VCF-style: chr1-237638420-C-T. GRCh37 (hg19) VCF-style: chr1-237801720-C-T.
Other names: short protein forms P2286S.
Identifiers: ClinVar variation 2568271 (VCV002568271.4), dbSNP rs1331902677, ClinGen allele CA345395555.
Genomic context (GRCh38, chr1:237,638,420, plus strand): 5'-GTTCGTTATTTGGCTGGTTGTGGACTGCAAAGTTGCCAGATGCTGGTGTCTAAGGGCTAT[C>T]CAGACATTGGGTGGAACCCAGTTGAAGGAGAGAGATATCTTGACTTTCTTAGATTTGCTG-3'
Protein context (NP_001026.2, residues 2276-2296): SCQMLVSKGY[Pro2286Ser]DIGWNPVEGE

ClinVar aggregate classification (germline): Uncertain significance. Review status: criteria provided, multiple submitters, no conflicts (2 of 4 stars). 2 submissions from 2 submitters: Uncertain significance (2). Last evaluated 2024-03-19.

Conditions:
Cardiovascular phenotype. Identifiers: MedGen CN230736.
Catecholaminergic polymorphic ventricular tachycardia 1. Also called: VENTRICULAR TACHYCARDIA, CATECHOLAMINERGIC POLYMORPHIC, 1, WITH OR WITHOUT ATRIAL DYSFUNCTION AND/OR DILATED CARDIOMYOPATHY; RYR2-Related Catecholaminergic Polymorphic Ventricular Tachycardia; VENTRICULAR TACHYCARDIA, STRESS-INDUCED POLYMORPHIC 1. Identifiers: Orphanet 3286, MedGen C1631597, MONDO:0011484, OMIM 604772.

Allele frequency attached by ClinVar (database versions not stated): gnomAD 0.00001.
gnomAD v4.1: 1 of 1,613,820 alleles (0.000062%); highest among the groups gnomAD compares: African/African-American, 0.0013%; no homozygotes.

Submissions (2):

Labcorp Genetics (formerly Invitae), Labcorp
Classification: Uncertain significance for Catecholaminergic polymorphic ventricular tachycardia 1. Last evaluated: 2024-03-19. Review status: criteria provided, single submitter. Criteria: Invitae Variant Classification Sherloc (09022015). Collection method: clinical testing. Allele origin: germline.
Comment: This sequence change replaces proline, which is neutral and non-polar, with serine, which is neutral and polar, at codon 2286 of the RYR2 protein (p.Pro2286Ser). This variant is present in population databases (no rsID available, gnomAD 0.01%). This variant has not been reported in the literature in individuals affected with RYR2-related conditions. ClinVar contains an entry for this variant (Variation ID: 2568271). Advanced modeling of protein sequence and biophysical properties (such as structural, functional, and spatial information, amino acid conservation, physicochemical variation, residue mobility, and thermodynamic stability) performed at Invitae indicates that this missense variant is expected to disrupt RYR2 protein function with a positive predictive value of 95%. In summary, the available evidence is currently insufficient to determine the role of this variant in disease. Therefore, it has been classified as a Variant of Uncertain Significance.

Ambry Genetics
Classification: Uncertain significance for Cardiovascular phenotype. Last evaluated: 2023-05-18. Review status: criteria provided, single submitter. Criteria: Ambry Variant Classification Scheme 2023. Collection method: clinical testing. Allele origin: germline.
Comment: The p.P2286S variant (also known as c.6856C>T), located in coding exon 45 of the RYR2 gene, results from a C to T substitution at nucleotide position 6856. The proline at codon 2286 is replaced by serine, an amino acid with similar properties. This amino acid position is highly conserved in available vertebrate species. In addition, this alteration is predicted to be deleterious by in silico analysis. Since supporting evidence is limited at this time, the clinical significance of this alteration remains unclear.